The following is an entry in ClinVar:

NM_000548.5(TSC2):c.4269G>A (p.Leu1423=)

Gene: TSC2 (TSC complex subunit 2; plus strand). Cytogenetic location: 16p13.3.
Variant type: single nucleotide variant.
Coding change: c.4269G>A on transcript NM_000548.5 (MANE Select); coding-DNA position 4269, G replaced by A.
Protein change: p.Leu1423=; no amino-acid change (leucine 1423 retained).
Molecular consequence: synonymous variant.
Genome position (GRCh38, 1-based): chr16:2,084,491, G>A. VCF-style: chr16-2084491-G-A. GRCh37 (hg19) VCF-style: chr16-2134492-G-A.
Other names: p.L1423L:CTG>CTA; p.Leu1423=; c.4068G>A, p.Leu1356= (NM_001077183.3); c.4200G>A, p.Leu1400= (NM_001114382.3); c.3960G>A, p.Leu1320= (NM_001318827.2); c.3924G>A, p.Leu1308= (NM_001318829.2); c.3537G>A, p.Leu1179= (NM_001318831.2); c.4101G>A, p.Leu1367= (NM_001318832.2); and 4 more.
Identifiers: ClinVar variation 49289 (VCV000049289.90), dbSNP rs45438898, ClinGen allele CA020160.

ClinVar aggregate classification (germline): Benign/Likely benign. Review status: criteria provided, multiple submitters, no conflicts (2 of 4 stars). 30 submissions from 30 submitters: Benign (18); Likely benign (5). 7 of the submissions do not count toward it. Last evaluated 2026-09-01.

Conditions:
Tuberous sclerosis 2 (TSC2). Identifiers: Orphanet 805, MedGen C1860707, MONDO:0013199, OMIM 613254.
Lymphangiomyomatosis (LAM). Also called: Lymphangioleiomyomatosis; Lymphangioleiomyomatosis, somatic. Identifiers: Orphanet 538, MedGen C0751674, MONDO:0011705, OMIM 606690.
Isolated focal cortical dysplasia type II (FCORD2). Also called: Focal cortical dysplasia type II; CORTICAL DYSPLASIA OF TAYLOR. Identifiers: Orphanet 268994, MedGen C1846385, MONDO:0011818, OMIM 607341, HP:0032051.
Hereditary cancer-predisposing syndrome. Also called: Neoplastic Syndromes, Hereditary; Tumor predisposition; Hereditary Cancer Syndrome; Hereditary neoplastic syndrome. Identifiers: Orphanet 140162, MedGen C0027672, MeSH D009386, MONDO:0015356.
Tuberous sclerosis syndrome (TSC). Also called: Tuberous Sclerosis Complex; Tuberous sclerosis. Identifiers: Orphanet 805, MedGen C0041341, MONDO:0001734.

Allele frequency attached by ClinVar (database versions not stated): gnomAD exomes 0.00264 and 0.00364; TOPMed 0.00275; gnomAD 0.00287 and 0.00242; ExAC 0.00306; 1000 Genomes Project 0.00060; 1000 Genomes Project 30x 0.00078; ESP Exome Variant Server 0.00178.
gnomAD v4.1: 5,685 of 1,609,194 alleles (0.35%); highest among the groups gnomAD compares: Non-Finnish European, 0.4%; 26 homozygotes.

Submissions (30):

CeGaT Center for Human Genetics Tuebingen
Classification: Benign. Last evaluated: 2026-09-01. Review status: criteria provided, single submitter. Criteria: CeGaT Center For Human Genetics Tuebingen Variant Classification Criteria Version 2. Collection method: clinical testing. Allele origin: germline. Affected: yes. Observed: 124 variant alleles.
Comment: TSC2: BP4, BP7, BS1, BS2

Labcorp Genetics (formerly Invitae), Labcorp
Classification: Benign for Tuberous sclerosis 2. Last evaluated: 2026-02-04. Review status: criteria provided, single submitter. Criteria: Invitae Variant Classification Sherloc (09022015). Collection method: clinical testing. Allele origin: germline.

ARUP Laboratories, Molecular Genetics and Genomics, ARUP Laboratories
Classification: Benign. Last evaluated: 2025-06-05. Review status: criteria provided, single submitter. Criteria: ARUP Molecular Germline Variant Investigation Process 2024. Collection method: clinical testing. Allele origin: germline.

Myriad Genetics, Inc.
Classification: Benign for Tuberous sclerosis 2. Last evaluated: 2025-06-03. Review status: criteria provided, single submitter. Criteria: Myriad Autosomal Dominant, Autosomal Recessive and X-Linked Classification Criteria (2023). Collection method: clinical testing. Allele origin: unknown.
Comment: This variant is considered benign. This variant is a silent/synonymous amino acid change and it is not expected to impact splicing.

Blueprint Genetics
Classification: Likely benign. Last evaluated: 2024-11-21. Review status: criteria provided, single submitter. Criteria: ACMG Guidelines, 2015. Collection method: clinical testing. Allele origin: germline.

Johns Hopkins Genomics, Johns Hopkins University
Classification: Benign for Tuberous sclerosis 2. Last evaluated: 2024-05-15. Review status: criteria provided, single submitter. Criteria: ACMG Guidelines, 2015. Collection method: clinical testing. Allele origin: germline.
Comment: BA1, BS2

All of Us Research Program, National Institutes of Health
Classification: Benign for Tuberous sclerosis syndrome. Last evaluated: 2024-02-05. Review status: criteria provided, single submitter. Criteria: ACMG Guidelines, 2015. Collection method: clinical testing. Allele origin: germline. Inheritance: Autosomal dominant inheritance. Observed: 707 variant alleles, 707 heterozygotes.
Comment: This study involves interpretation of variants in research participants for the purpose of population health screening. Participant phenotype was not available at the time of variant classification. Additional details can be found in publication PMID: 35346344, PMCID: PMC8962531

Department of Pathology and Laboratory Medicine, Sinai Health System
Classification: Benign for Tuberous sclerosis 2. Last evaluated: 2024-01-22. Review status: criteria provided, single submitter. Criteria: ACMG Guidelines, 2015. Collection method: clinical testing. Allele origin: germline. Affected: yes.

KCCC/NGS Laboratory, Kuwait Cancer Control Center
Classification: Benign for Tuberous sclerosis 2. Last evaluated: 2023-07-07. Review status: criteria provided, single submitter. Criteria: ACMG Guidelines, 2015. Collection method: clinical testing. Allele origin: germline. Affected: yes.

Quest Diagnostics Nichols Institute San Juan Capistrano
Classification: Benign. Last evaluated: 2023-01-05. Review status: criteria provided, single submitter. Criteria: Quest Diagnostics criteria. Collection method: clinical testing. Allele origin: unknown.

Color Diagnostics, LLC DBA Color Health
Classification: Benign for Tuberous sclerosis syndrome. Last evaluated: 2022-09-20. Review status: criteria provided, single submitter. Criteria: ACMG Guidelines, 2015. Collection method: clinical testing. Allele origin: germline.

Genome-Nilou Lab
Classification: Benign for Tuberous sclerosis 2. Last evaluated: 2021-11-07. Review status: criteria provided, single submitter. Criteria: ACMG Guidelines, 2015. Collection method: clinical testing. Allele origin: germline. Affected: no.

Fulgent Genetics
Classification: Likely benign for Lymphangiomyomatosis; Isolated focal cortical dysplasia type II; Tuberous sclerosis 2. Last evaluated: 2021-08-06. Review status: criteria provided, single submitter. Criteria: ACMG Guidelines, 2015. Collection method: clinical testing. Allele origin: unknown.

Mayo Clinic Laboratories, Mayo Clinic
Classification: Benign. Last evaluated: 2020-10-05. Review status: criteria provided, single submitter. Criteria: ACMG Guidelines, 2015. Collection method: clinical testing. Allele origin: germline. Observed: 5 variant alleles.

Sema4
Classification: Benign for Hereditary cancer-predisposing syndrome. Last evaluated: 2020-07-02. Review status: criteria provided, single submitter. Criteria: Sema4 Curation Guidelines. Collection method: curation. Allele origin: germline.

Athena Diagnostics
Classification: Benign. Last evaluated: 2018-09-30. Review status: criteria provided, single submitter. Criteria: Athena Diagnostics Criteria. Collection method: clinical testing. Allele origin: germline.

Illumina Laboratory Services, Illumina
Classification: Benign for Tuberous sclerosis syndrome. Last evaluated: 2018-01-12. Review status: criteria provided, single submitter. Criteria: ICSL Variant Classification Criteria 13 December 2019. Collection method: clinical testing. Allele origin: germline.
Comment: This variant was observed in the ICSL laboratory as part of a predisposition screen in an ostensibly healthy population. It had not been previously curated by ICSL or reported in the Human Gene Mutation Database (HGMD: prior to June 1st, 2018), and was therefore a candidate for classification through an automated scoring system. Utilizing variant allele frequency, disease prevalence and penetrance estimates, and inheritance mode, an automated score was calculated to assess if this variant is too frequent to cause the disease. Based on the score and internal cut-off values, a variant classified as benign is not then subjected to further curation. The score for this variant resulted in a classification of benign for this disease.

Laboratory for Molecular Medicine, Mass General Brigham Personalized Medicine
Classification: Benign. Last evaluated: 2017-09-22. Review status: criteria provided, single submitter. Criteria: LMM Criteria. Collection method: clinical testing. Allele origin: germline. Observed: 2 variant alleles.
Comment: p.Leu1423Leu in exon 34 of TSC2: This variant is not expected to have clinical s ignificance because it does not alter an amino acid residue and is not located w ithin the splice consensus sequence. It has been identified in 0.2% (737/265766) of chromosomes, including 4 homozygotes) and the highest allele frequency of 0 .5% in Ashkenazi Jewish by the Genome Aggregation Database (gnomAD; dbSNP rs45438898)

Women's Health and Genetics/Laboratory Corporation of America, LabCorp
Classification: Benign. Last evaluated: 2016-08-23. Review status: criteria provided, single submitter. Criteria: LabCorp Variant Classification Summary - May 2015. Collection method: clinical testing. Allele origin: germline.
Comment: Variant summary: The c.4269G>A (p.Leu1423=) in TSC2 gene is a synonymous change that involves a non-conserved nucleotide. 5/5 programs in Alamut predict that this variant does not affect normal splicing, however no functional studies supporting this notion were published at the time of evaluation. The variant is present in the control population dataset of ExAC at frequency of 0.0023 (305/99578 chrs tested), including 2 homozygous occurrences. This frequency exceeds the estimated maximum allele frequency for a pathogenic allele in this gene (0.0000068). The variant of interest has been cited as Benign/Likely Benign by multiple reputable databases/clinical laboratories. Taking together, based on the prevalence of this variant in general population the variant was classified as Benign.

Eurofins Ntd Llc (ga)
Classification: Likely benign. Last evaluated: 2014-08-15. Review status: criteria provided, single submitter. Criteria: EGL Classification Definitions 2015. Collection method: clinical testing. Allele origin: germline. Observed: 1 variant allele, 1 heterozygote.

Ambry Genetics
Classification: Likely benign for Hereditary cancer-predisposing syndrome. Last evaluated: 2014-08-11. Review status: criteria provided, single submitter. Criteria: Ambry Variant Classification Scheme 2023. Collection method: clinical testing. Allele origin: germline.

GeneDx
Classification: Benign. Last evaluated: 2013-05-03. Review status: criteria provided, single submitter. Criteria: GeneDx Variant Classification (06012015). Collection method: clinical testing. Allele origin: germline. Affected: yes.
Comment: This variant is considered likely benign or benign based on one or more of the following criteria: it is a conservative change, it occurs at a poorly conserved position in the protein, it is predicted to be benign by multiple in silico algorithms, and/or has population frequency not consistent with disease.

PreventionGenetics, part of Exact Sciences
Classification: Likely benign. Review status: criteria provided, single submitter. Criteria: ACMG Guidelines, 2015. Collection method: clinical testing. Allele origin: germline.

Genetic Services Laboratory, University of Chicago
Classification: Likely benign. Last evaluated: 2022-12-19. Review status: no assertion criteria provided. Collection method: clinical testing. Allele origin: germline. Affected: no. Not counted in ClinVar's aggregate classification.

Clinical Genetics DNA and cytogenetics Diagnostics Lab, Erasmus MC, Erasmus Medical Center
Classification: Benign. Review status: no assertion criteria provided. Collection method: clinical testing. Allele origin: germline. Affected: yes. Study: VKGL Data-share Consensus. Not counted in ClinVar's aggregate classification.

Clinical Genetics, Academic Medical Center
Classification: Benign. Review status: no assertion criteria provided. Collection method: clinical testing. Allele origin: germline. Affected: yes. Study: VKGL Data-share Consensus. Not counted in ClinVar's aggregate classification.

Diagnostic Laboratory, Department of Genetics, University Medical Center Groningen
Classification: Likely benign. Review status: no assertion criteria provided. Collection method: clinical testing. Allele origin: germline. Affected: yes. Study: VKGL Data-share Consensus. Not counted in ClinVar's aggregate classification.

Joint Genome Diagnostic Labs from Nijmegen and Maastricht, Radboudumc and MUMC+
Classification: Likely benign. Review status: no assertion criteria provided. Collection method: clinical testing. Allele origin: germline. Affected: yes. Study: VKGL Data-share Consensus. Not counted in ClinVar's aggregate classification.

Laboratory of Diagnostic Genome Analysis, Leiden University Medical Center (LUMC)
Classification: Likely benign. Review status: no assertion criteria provided. Collection method: clinical testing. Allele origin: germline. Affected: yes. Study: VKGL Data-share Consensus. Not counted in ClinVar's aggregate classification.

Tuberous sclerosis database (TSC2)
No classification provided. Condition: TSC. Review status: no classification provided. Criteria: Tuberous Sclerosis Database Assertion Criteria 2015. Collection method: curation. Allele origin: germline. Affected: yes. Not counted in ClinVar's aggregate classification.

Literature cited by the submitters: PubMed 17304050 (cited by 3 submitters).